The following is an entry in ClinVar:

ClinVar aggregate classification (germline): Uncertain significance (1 of 4 stars; one submission).

gnomAD v4.1: 66 of 1,613,966 alleles (0.0041%); highest among the groups gnomAD compares: Middle Eastern, 0.033%; no homozygotes.

Submission:

Labcorp Genetics (formerly Invitae), Labcorp
Classification: Uncertain significance. Last evaluated: 2025-08-20. Review status: criteria provided, single submitter. Criteria: Invitae Variant Classification Sherloc (09022015). Collection method: clinical testing. Allele origin: germline.
Comment: This sequence change replaces alanine, which is neutral and non-polar, with valine, which is neutral and non-polar, at codon 37 of the SLC38A8 protein (p.Ala37Val). This variant is present in population databases (rs776818841, gnomAD 0.01%). This variant has not been reported in the literature in individuals affected with SLC38A8-related conditions. Invitae Evidence Modeling of protein sequence and biophysical properties (such as structural, functional, and spatial information, amino acid conservation, physicochemical variation, residue mobility, and thermodynamic stability) indicates that this missense variant is not expected to disrupt SLC38A8 protein function with a negative predictive value of 80%. In summary, the available evidence is currently insufficient to determine the role of this variant in disease. Therefore, it has been classified as a Variant of Uncertain Significance.

NM_001080442.3(SLC38A8):c.110C>T (p.Ala37Val)

Gene: SLC38A8 (solute carrier family 38 member 8; minus strand). Cytogenetic location: 16q23.3.
Variant type: single nucleotide variant.
Coding change: c.110C>T on transcript NM_001080442.3 (MANE Select); coding-DNA position 110, C replaced by T.
Protein change: p.Ala37Val; replaces alanine 37 with valine.
Molecular consequence: missense variant.
Genome position (GRCh38, 1-based): chr16:84,042,048, G>A on the plus strand (C>T on the coding strand, the complement: SLC38A8 is on the minus strand). VCF-style: chr16-84042048-G-A. GRCh37 (hg19) VCF-style: chr16-84075653-G-A.
Other names: short protein forms A37V.
Identifiers: ClinVar variation 4715613 (VCV004715613.1).